The following is an entry in ClinVar:

ClinVar aggregate classification (germline): Uncertain significance (1 of 4 stars; one submission).

gnomAD v4.1: 1 of 1,613,808 alleles (0.000062%); highest among the groups gnomAD compares: Non-Finnish European, 0.000085%; no homozygotes.

Submission:

Ambry Genetics
Classification: Uncertain significance. Last evaluated: 2026-03-12. Review status: criteria provided, single submitter. Criteria: Ambry Variant Classification Scheme 2023. Collection method: clinical testing. Allele origin: germline.
Comment: The p.A772V variant (also known as c.2315C>T), located in coding exon 13 of the ATRIP gene, results from a C to T substitution at nucleotide position 2315. The alanine at codon 772 is replaced by valine, an amino acid with similar properties. This amino acid position is conserved. In addition, the in silico prediction for this alteration is inconclusive. Based on the available evidence, the clinical significance of this variant remains unclear.

NM_130384.3(ATRIP):c.2315C>T (p.Ala772Val)

Genes: ATRIP (ATR interacting protein; plus strand), ATRIP-TREX1 (ATRIP-TREX1 readthrough; plus strand), LOC129936704 (ATAC-STARR-seq lymphoblastoid active region 19829; plus strand). Cytogenetic location: 3p21.31.
Variant type: single nucleotide variant.
Coding change: c.2315C>T on transcript NM_130384.3 (MANE Select); coding-DNA position 2315, C replaced by T.
Protein change: p.Ala772Val; replaces alanine 772 with valine.
Molecular consequence: missense variant. On other transcripts: non-coding transcript variant (1).
Genome position (GRCh38, 1-based): chr3:48,465,493, C>T. VCF-style: chr3-48465493-C-T. GRCh37 (hg19) VCF-style: chr3-48506892-C-T.
Other names: c.1934C>T, p.Ala645Val (NM_001271022.2); c.2036C>T, p.Ala679Val (NM_001271023.2); c.2234C>T, p.Ala745Val (NM_032166.4); short protein forms A679V, A745V, A772V, A645V.
Identifiers: ClinVar variation 4826282 (VCV004826282.1).
Genomic context (GRCh38, chr3:48,465,493, plus strand): 5'-CCTAGGCCCTGGCACCTTTGGGCCCTCACCAGGAACCTCTCCTTTTTGTCTCAGAGGCAG[C>T]CCTGGATGACCTCTGTGCCGCGGAAACCGATGTGGAAGACCCCGAGGTGGAGTGTGGCTG-3'
Protein context (NP_569055.1, residues 762-782): LPDVTDCEEA[Ala772Val]LDDLCAAETD